The following is an entry in ClinVar:

NM_000291.4(PGK1):c.575A>T (p.Lys192Met)

Gene: PGK1 (phosphoglycerate kinase 1; plus strand). Cytogenetic location: Xq21.1.
Variant type: single nucleotide variant.
Coding change: c.575A>T on transcript NM_000291.4 (MANE Select); coding-DNA position 575, A replaced by T.
Protein change: p.Lys192Met; replaces lysine 192 with methionine.
Molecular consequence: missense variant.
Genome position (GRCh38, 1-based): chrX:78,118,104, A>T. VCF-style: chrX-78118104-A-T. GRCh37 (hg19) VCF-style: chrX-77373601-A-T.
Other names: short protein forms K192M.
Identifiers: ClinVar variation 1311580 (VCV001311580.8), dbSNP rs782204187, ClinGen allele CA10459735.

ClinVar aggregate classification (germline): Uncertain significance. Review status: criteria provided, multiple submitters, no conflicts (2 of 4 stars). 3 submissions from 3 submitters: Uncertain significance (3). Last evaluated 2025-09-14.

Conditions:
Glycogen storage disease due to phosphoglycerate kinase 1 deficiency. Also called: PHOSPHOGLYCERATE KINASE 1 DEFICIENCY WITH LEVO-DOPA-RESPONSIVE PARKINSONISM; PGK1 DEFICIENCY. Identifiers: Orphanet 713, MedGen C1970848, MONDO:0010392, OMIM 300653.

Allele frequency attached by ClinVar (database versions not stated): TOPMed below 0.00001; ExAC 0.00001; gnomAD exomes 0.00001.
gnomAD v4.1: 6 of 1,207,518 alleles (0.0005%); highest among the groups gnomAD compares: Admixed American, 0.0043%; no homozygotes.

Submissions (3):

Labcorp Genetics (formerly Invitae), Labcorp
Classification: Uncertain significance. Last evaluated: 2025-09-14. Review status: criteria provided, single submitter. Criteria: Invitae Variant Classification Sherloc (09022015). Collection method: clinical testing. Allele origin: germline.
Comment: This sequence change replaces lysine, which is basic and polar, with methionine, which is neutral and non-polar, at codon 192 of the PGK1 protein (p.Lys192Met). This variant is present in population databases (rs782204187, gnomAD 0.004%). This missense change has been observed in individual(s) with clinical features of phosphoglycerate kinase 1 deficiency (PMID: 33177673). ClinVar contains an entry for this variant (Variation ID: 1311580). Invitae Evidence Modeling of protein sequence and biophysical properties (such as structural, functional, and spatial information, amino acid conservation, physicochemical variation, residue mobility, and thermodynamic stability) indicates that this missense variant is expected to disrupt PGK1 protein function with a positive predictive value of 80%. In summary, the available evidence is currently insufficient to determine the role of this variant in disease. Therefore, it has been classified as a Variant of Uncertain Significance.

Revvity Omics, Revvity
Classification: Uncertain significance for Glycogen storage disease due to phosphoglycerate kinase 1 deficiency. Last evaluated: 2023-07-14. Review status: criteria provided, single submitter. Criteria: ACMG Guidelines, 2015. Collection method: clinical testing. Allele origin: germline.

GeneDx
Classification: Uncertain significance. Last evaluated: 2019-12-26. Review status: criteria provided, single submitter. Criteria: GeneDx Variant Classification Process June 2021. Collection method: clinical testing. Allele origin: germline. Affected: yes.
Comment: Not observed at a significant frequency in large population cohorts (Lek et al., 2016); In silico analysis, which includes protein predictors and evolutionary conservation, supports a deleterious effect; Has not been previously published as pathogenic or benign to our knowledge

Literature cited by the submitters: PubMed 33177673 (cited by Labcorp Genetics (formerly Invitae), Labcorp).